The following is an entry in ClinVar:

GRCh38/hg38 16p13.2(chr16:8767999-8939801)x1

Genes: ABAT (4-aminobutyrate aminotransferase; plus strand), CARHSP1 (calcium regulated heat stable protein 1; minus strand), CARHSP1-DT (CARHSP1 divergent transcript; plus strand), LITAFD (LITAF domain containing; plus strand), PMM2 (phosphomannomutase 2; plus strand) and 18 more. Cytogenetic location: 16p13.2.
Variant type: copy number loss.
Change: copy number 1 (one copy instead of two) of chr16:8,767,999-8,939,801 (171.8 kb, GRCh38 coordinates, 1-based), cytogenetic band 16p13.2.
Identifiers: ClinVar variation 57446 (VCV000057446.1).

ClinVar aggregate classification (germline): Uncertain significance (1 of 4 stars; one submission).

Submission:

ISCA site 4
Classification: Uncertain significance. Last evaluated: 2011-08-12. Review status: criteria provided, single submitter. Criteria: Kaminsky et al. (Genet Med. 2011). Collection method: clinical testing. Allele origin: unknown. Affected: yes. Observed: 1 variant allele.
Comment: Copy number variation identified through the course of routine clinical cytogenomic testing in postnatal populations. Clinical assertions have been curated as described in Kaminsky et al. 2011.